The following is an entry in ClinVar:

ClinVar aggregate classification (germline): Uncertain significance (1 of 4 stars; one submission).

gnomAD v4.1: 2 of 1,614,018 alleles (0.00012%); no homozygotes.

Submission:

Women's Health and Genetics/Laboratory Corporation of America, LabCorp
Classification: Uncertain significance. Last evaluated: 2024-04-03. Review status: criteria provided, single submitter. Criteria: LabCorp Variant Classification Summary - May 2015. Collection method: clinical testing. Allele origin: germline.
Comment: Variant summary: ALDOB c.911G>C (p.Arg304Pro) results in a non-conservative amino acid change in the encoded protein sequence. Five of five in-silico tools predict a damaging effect of the variant on protein function. The variant allele was found at a frequency of 4e-06 in 251216 control chromosomes. The available data on variant occurrences in the general population are insufficient to allow any conclusion about variant significance. To our knowledge, no occurrence of c.911G>C in individuals affected with Hereditary Fructose Intolerance and no experimental evidence demonstrating its impact on protein function have been reported. No submitters have cited clinical-significance assessments for this variant to ClinVar. Based on the evidence outlined above, the variant was classified as uncertain significance.

NM_000035.4(ALDOB):c.911G>C (p.Arg304Pro)

Gene: ALDOB (aldolase, fructose-bisphosphate B; minus strand). Cytogenetic location: 9q31.1.
Variant type: single nucleotide variant.
Coding change: c.911G>C on transcript NM_000035.4 (MANE Select); coding-DNA position 911, G replaced by C.
Protein change: p.Arg304Pro; replaces arginine 304 with proline.
Molecular consequence: missense variant.
Genome position (GRCh38, 1-based): chr9:101,424,931, C>G on the plus strand (G>C on the coding strand, the complement: ALDOB is on the minus strand). VCF-style: chr9-101424931-C-G. GRCh37 (hg19) VCF-style: chr9-104187213-C-G.
Other names: short protein forms R304P.
Identifiers: ClinVar variation 3251577 (VCV003251577.1), dbSNP rs145078268.